The following is an entry in ClinVar:

ClinVar aggregate classification (germline): Uncertain significance (1 of 4 stars; one submission).

Conditions:
DICER1-related tumor predisposition. Also called: DICER1-related pleuropulmonary blastoma cancer predisposition syndrome; DICER1 syndrome. Identifiers: Orphanet 284343, MedGen C3839822, MONDO:0100216.

Submission:

Labcorp Genetics (formerly Invitae), Labcorp
Classification: Uncertain significance for DICER1-related tumor predisposition. Last evaluated: 2025-03-12. Review status: criteria provided, single submitter. Criteria: Invitae Variant Classification Sherloc (09022015). Collection method: clinical testing. Allele origin: germline.
Comment: This sequence change replaces arginine, which is basic and polar, with proline, which is neutral and non-polar, at codon 937 of the DICER1 protein (p.Arg937Pro). This variant is not present in population databases (gnomAD no frequency). This variant has not been reported in the literature in individuals affected with DICER1-related conditions. Invitae Evidence Modeling of protein sequence and biophysical properties (such as structural, functional, and spatial information, amino acid conservation, physicochemical variation, residue mobility, and thermodynamic stability) has been performed for this missense variant. However, the output from this modeling did not meet the statistical confidence thresholds required to predict the impact of this variant on DICER1 protein function. In summary, the available evidence is currently insufficient to determine the role of this variant in disease. Therefore, it has been classified as a Variant of Uncertain Significance.

NM_177438.3(DICER1):c.2810G>C (p.Arg937Pro)

Gene: DICER1 (dicer 1, ribonuclease III; minus strand). Cytogenetic location: 14q32.13.
Variant type: single nucleotide variant.
Coding change: c.2810G>C on transcript NM_177438.3 (MANE Select); coding-DNA position 2810, G replaced by C.
Protein change: p.Arg937Pro; replaces arginine 937 with proline.
Molecular consequence: missense variant. On other transcripts: non-coding transcript variant (6).
Genome position (GRCh38, 1-based): chr14:95,106,218, C>G on the plus strand (G>C on the coding strand, the complement: DICER1 is on the minus strand). VCF-style: chr14-95106218-C-G. GRCh37 (hg19) VCF-style: chr14-95572555-C-G.
Other names: c.2810G>C, p.Arg937Pro (NM_001195573.1, NM_001271282.3, NM_001291628.2 and 12 more transcripts); c.2528G>C, p.Arg843Pro (NM_001395686.1); c.2405G>C, p.Arg802Pro (NM_001395687.1, NM_001395688.1, NM_001395689.1 and 2 more transcripts); c.2243G>C, p.Arg748Pro (NM_001395691.1); c.1127G>C, p.Arg376Pro (NM_001395697.1); short protein forms R748P, R843P, R376P, R802P, R937P.
Identifiers: ClinVar variation 3663740 (VCV003663740.2).